The following is an entry in ClinVar:

ClinVar aggregate classification (germline): Benign. Review status: reviewed by expert panel (3 of 4 stars). 27 submissions from 27 submitters: Benign (1). 26 of the submissions do not count toward it. Last evaluated 2016-09-28.

Conditions:
Glioma susceptibility 3 (GLM3). Also called: Glioblastoma 3. Identifiers: Orphanet 182067, Orphanet 360, MedGen C2751641, MONDO:0013093, OMIM 613029.
Wilms tumor 1 (WT1). Also called: Wilms tumor, somatic. Identifiers: Orphanet 654, MedGen CN033288, MONDO:0008679, OMIM 194070.
Familial cancer of breast. Also called: Hereditary breast cancer; BREAST CANCER, FAMILIAL; hereditary breast carcinoma. Identifiers: Orphanet 227535, MedGen C0346153, MONDO:0016419, OMIM 114480. Disease mechanism: loss of function.
Prostate cancer. Also called: Malignant tumor of prostate. Identifiers: Orphanet 1331, MedGen C0376358, MONDO:0008315, HP:0012125.
Breast-ovarian cancer, familial, susceptibility to, 2 (BROVCA2). Also called: BRCA2 Hereditary Breast and Ovarian Cancer. Identifiers: Orphanet 145, MedGen C2675520, MONDO:0012933, OMIM 612555. Disease mechanism: loss of function.
Fanconi anemia complementation group D1. Also called: BRCA2-Related Fanconi Anemia. Identifiers: Orphanet 319462, MedGen C1838457, MONDO:0011584, OMIM 605724.
Medulloblastoma (MDB). Also called: Medulloblastoma, somatic; MEDULLOBLASTOMA PREDISPOSITION SYNDROME. Identifiers: Orphanet 616, MedGen C0025149, MeSH D008527, MONDO:0007959, OMIM 155255, HP:0002885.
Pancreatic cancer, susceptibility to, 2. Identifiers: Orphanet 1333, MedGen C3150546, MONDO:0013235, OMIM 613347.
Breast and/or ovarian cancer. Identifiers: MedGen CN221562.
Hereditary cancer-predisposing syndrome. Also called: Neoplastic Syndromes, Hereditary; Tumor predisposition; Hereditary Cancer Syndrome; Hereditary neoplastic syndrome. Identifiers: Orphanet 140162, MedGen C0027672, MeSH D009386, MONDO:0015356.
Hereditary breast ovarian cancer syndrome. Also called: Hereditary breast and/or ovarian cancer syndrome; Hereditary breast and ovarian cancer syndrome; Hereditary breast and ovarian cancer; Hereditary breast and ovarian cancer syndrome (HBOC); Breast and ovarian cancer; BRCA1- and BRCA2-Associated Hereditary Breast and Ovarian Cancer. Identifiers: Orphanet 145, MedGen C0677776, MeSH D061325, MONDO:0003582. Disease mechanism: loss of function.
Malignant tumor of breast. Also called: Malignant breast neoplasm; Cancer breast. Identifiers: MedGen C0006142, MONDO:0007254. Disease mechanism: loss of function.

Allele frequency attached by ClinVar (database versions not stated): gnomAD exomes 0.00047 and 0.00017; ExAC 0.00068; gnomAD 0.00184 and 0.00191; TOPMed 0.00206; ESP Exome Variant Server 0.00231; 1000 Genomes Project 0.00300; 1000 Genomes Project 30x 0.00344.
gnomAD v4.1: 526 of 1,613,746 alleles (0.033%); highest among the groups gnomAD compares: African/African-American, 0.65%; 1 homozygote.

Submissions 1 to 21 of 27:

Evidence-based Network for the Interpretation of Germline Mutant Alleles (ENIGMA)
Classification: Benign for Breast-ovarian cancer, familial, susceptibility to, 2. Last evaluated: 2016-09-28. Review status: reviewed by expert panel. Criteria: ENIGMA BRCA1/2 Classification Criteria (2015). Collection method: curation. Allele origin: germline.
Comment: Class 1 not pathogenic based on frequency >1% in an outbred sampleset. Frequency 0.0113 (African), derived from 1000 genomes (2013-05-02).

CeGaT Center for Human Genetics Tuebingen
Classification: Likely benign. Last evaluated: 2026-08-01. Review status: criteria provided, single submitter. Criteria: CeGaT Center For Human Genetics Tuebingen Variant Classification Criteria Version 2. Collection method: clinical testing. Allele origin: germline. Affected: yes. Observed: 1 variant allele. Not counted in ClinVar's aggregate classification.
Comment: BRCA2: BP4, BS1

Labcorp Genetics (formerly Invitae), Labcorp
Classification: Benign for Hereditary breast ovarian cancer syndrome. Last evaluated: 2026-02-03. Review status: criteria provided, single submitter. Criteria: Invitae Variant Classification Sherloc (09022015). Collection method: clinical testing. Allele origin: germline. Not counted in ClinVar's aggregate classification.

Center for Genomic Medicine, Rigshospitalet, Copenhagen University Hospital
Classification: Likely benign. Last evaluated: 2025-03-04. Review status: criteria provided, single submitter. Criteria: ACMG Guidelines, 2015. Collection method: clinical testing. Allele origin: germline. Not counted in ClinVar's aggregate classification.

KCCC/NGS Laboratory, Kuwait Cancer Control Center
Classification: Benign for Familial cancer of breast. Last evaluated: 2025-02-01. Review status: criteria provided, single submitter. Criteria: ACMG Guidelines, 2015. Collection method: clinical testing. Allele origin: germline. Affected: no. Not counted in ClinVar's aggregate classification.

Blueprint Genetics
Classification: Likely benign. Last evaluated: 2024-09-12. Review status: criteria provided, single submitter. Criteria: ACMG Guidelines, 2015. Collection method: clinical testing. Allele origin: germline. Not counted in ClinVar's aggregate classification.

ARUP Laboratories, Molecular Genetics and Genomics, ARUP Laboratories
Classification: Benign. Last evaluated: 2024-08-26. Review status: criteria provided, single submitter. Criteria: ARUP Molecular Germline Variant Investigation Process 2024. Collection method: clinical testing. Allele origin: germline. Not counted in ClinVar's aggregate classification.

CHEO Genetics Diagnostic Laboratory, Children's Hospital of Eastern Ontario
Classification: Likely benign for Breast and/or ovarian cancer. Last evaluated: 2023-06-06. Review status: criteria provided, single submitter. Criteria: ACMG Guidelines, 2015. Collection method: clinical testing. Allele origin: germline. Not counted in ClinVar's aggregate classification.

Fulgent Genetics
Classification: Benign for Familial cancer of breast; Medulloblastoma; Familial prostate cancer; Wilms tumor 1; Fanconi anemia complementation group D1; Breast-ovarian cancer, familial, susceptibility to, 2; Glioma susceptibility 3; Pancreatic cancer, susceptibility to, 2. Last evaluated: 2022-03-18. Review status: criteria provided, single submitter. Criteria: ACMG Guidelines, 2015. Collection method: clinical testing. Allele origin: unknown. Not counted in ClinVar's aggregate classification.

National Health Laboratory Service, Universitas Academic Hospital and University of the Free State
Classification: Benign for Hereditary breast ovarian cancer syndrome. Last evaluated: 2021-11-16. Review status: criteria provided, single submitter. Criteria: ACMG Guidelines, 2015. Collection method: clinical testing. Allele origin: germline. Affected: yes. Observed: 1 variant allele. Not counted in ClinVar's aggregate classification.

Sema4
Classification: Benign for Hereditary cancer-predisposing syndrome. Last evaluated: 2020-09-29. Review status: criteria provided, single submitter. Criteria: Sema4 Curation Guidelines. Collection method: curation. Allele origin: germline. Not counted in ClinVar's aggregate classification.

Mendelics
Classification: Benign for Breast-ovarian cancer, familial, susceptibility to, 2. Last evaluated: 2019-05-28. Review status: criteria provided, single submitter. Criteria: Mendelics Assertion Criteria 2017. Collection method: clinical testing. Allele origin: unknown. Not counted in ClinVar's aggregate classification.

Baylor Genetics
Classification: Benign for Familial cancer of breast. Last evaluated: 2017-02-23. Review status: criteria provided, single submitter. Criteria: ACMG Guidelines, 2015. Collection method: clinical testing. Allele origin: germline. Inheritance: Autosomal dominant inheritance. Affected: no. Not counted in ClinVar's aggregate classification.

Institute for Biomarker Research, Medical Diagnostic Laboratories, L.L.C.
Classification: Likely benign for Hereditary breast and ovarian cancer syndrome(HBOC). Last evaluated: 2017-02-14. Review status: criteria provided, single submitter. Criteria: ACMG Guidelines, 2015. Collection method: clinical testing. Allele origin: germline. Not counted in ClinVar's aggregate classification.

PreventionGenetics, part of Exact Sciences
Classification: Benign. Last evaluated: 2016-12-08. Review status: criteria provided, single submitter. Criteria: ACMG Guidelines, 2015. Collection method: clinical testing. Allele origin: germline. Not counted in ClinVar's aggregate classification.

Molecular Genetics Laboratory, University of Michigan
Classification: Benign for Breast-ovarian cancer, familial, susceptibility to, 2. Last evaluated: 2016-04-21. Review status: criteria provided, single submitter. Criteria: ACMG Guidelines, 2015. Collection method: clinical testing. Allele origin: germline. Affected: yes. Not counted in ClinVar's aggregate classification.

Laboratory for Molecular Medicine, Mass General Brigham Personalized Medicine
Classification: Likely benign. Last evaluated: 2016-03-28. Review status: criteria provided, single submitter. Criteria: LMM Criteria. Collection method: clinical testing. Allele origin: germline. Not counted in ClinVar's aggregate classification.
Comment: Variant identified in a genome or exome case(s) and assessed due to predicted null impact of the variant or pathogenic assertions in the literature or databases. Disclaimer: This variant has not undergone full assessment. The following are preliminary notes: ClinVar: 5 B/LB; Silent (meets our criteria for LB)

Genomic Diagnostic Laboratory, Division of Genomic Diagnostics, Children's Hospital of Philadelphia
Classification: Likely benign for Hereditary Breast and Ovarian Cancer. Last evaluated: 2015-11-30. Review status: criteria provided, single submitter. Criteria: DGD Variant Analysis Guidelines. Collection method: clinical testing. Allele origin: unknown. Not counted in ClinVar's aggregate classification.

Color Diagnostics, LLC DBA Color Health
Classification: Benign for Hereditary cancer-predisposing syndrome. Last evaluated: 2015-03-10. Review status: criteria provided, single submitter. Criteria: ACMG Guidelines, 2015. Collection method: clinical testing. Allele origin: germline. Not counted in ClinVar's aggregate classification.

Eurofins Ntd Llc (ga)
Classification: Benign. Last evaluated: 2014-12-29. Review status: criteria provided, single submitter. Criteria: EGL Classification Definitions 2015. Collection method: clinical testing. Allele origin: germline. Observed: 1 variant allele, 1 heterozygote. Not counted in ClinVar's aggregate classification.

Ambry Genetics
Classification: Benign for Hereditary cancer-predisposing syndrome. Last evaluated: 2014-11-19. Review status: criteria provided, single submitter. Criteria: Ambry Variant Classification Scheme 2023. Collection method: clinical testing. Allele origin: germline. Not counted in ClinVar's aggregate classification.

NM_000059.4(BRCA2):c.231T>G (p.Thr77=)

Gene: BRCA2 (BRCA2 DNA repair associated; plus strand). Cytogenetic location: 13q13.1.
Variant type: single nucleotide variant.
Coding change: c.231T>G on transcript NM_000059.4 (MANE Select); coding-DNA position 231, T replaced by G.
Protein change: p.Thr77=; no amino-acid change (threonine 77 retained).
Molecular consequence: synonymous variant.
Genome position (GRCh38, 1-based): chr13:32,319,240, T>G. VCF-style: chr13-32319240-T-G. GRCh37 (hg19) VCF-style: chr13-32893377-T-G.
Other names: NP_000050.3:p.Thr77=.
Identifiers: ClinVar variation 51269 (VCV000051269.61), dbSNP rs114446594, ClinGen allele CA014923.